The following is an entry in ClinVar:

NM_000361.3(THBD):c.40G>A (p.Gly14Ser)

Gene: THBD (thrombomodulin; minus strand). Cytogenetic location: 20p11.21.
Variant type: single nucleotide variant.
Coding change: c.40G>A on transcript NM_000361.3 (MANE Select); coding-DNA position 40, G replaced by A.
Protein change: p.Gly14Ser; replaces glycine 14 with serine.
Molecular consequence: missense variant.
Genome position (GRCh38, 1-based): chr20:23,049,465, C>T on the plus strand (G>A on the coding strand, the complement: THBD is on the minus strand). VCF-style: chr20-23049465-C-T. GRCh37 (hg19) VCF-style: chr20-23030102-C-T.
Other names: p.Gly14Ser; short protein forms G14S.
Identifiers: ClinVar variation 337894 (VCV000337894.20), dbSNP rs191884040, ClinGen allele CA9787810.
Genomic context (GRCh38, chr20:23,049,465, plus strand): 5'-CGTGCTCGACGCACTGGCTGCCACCCGGCTGCGGCTCTGCGGGTGCGGGGAACCCCAGGC[C>T]GGCCAGGGCCAGCGCGCCAAGGACCAGGACCCCAAGCATGTTACCCAGGCGCGCCGCGTG-3'
Protein context (NP_000352.1, residues 4-24): VLVLGALALA[Gly14Ser]LGFPAPAEPQ

ClinVar aggregate classification (germline): Benign/Likely benign. Review status: criteria provided, multiple submitters, no conflicts (2 of 4 stars). 7 submissions from 7 submitters: Benign (5); Likely benign (2). Last evaluated 2026-02-04.

Conditions:
Thrombomodulin-related bleeding disorder (THPH12). Also called: Thrombophilia due to thrombomodulin defect. Identifiers: Orphanet 436169, MedGen C3280976, MONDO:0013775, OMIM 614486.
Atypical hemolytic-uremic syndrome with thrombomodulin anomaly. Also called: HEMOLYTIC UREMIC SYNDROME, ATYPICAL, SUSCEPTIBILITY TO, 6; AHUS, SUSCEPTIBILITY TO, 6. Identifiers: MedGen C2752036, MONDO:0013044, OMIM 612926. Disease mechanism: gain of function.

Allele frequency attached by ClinVar (database versions not stated): gnomAD exomes 0.00043 and 0.00094; ExAC 0.00218; ESP Exome Variant Server 0.00369; gnomAD 0.00464 and 0.00483; TOPMed 0.00552; 1000 Genomes Project 30x 0.00656; 1000 Genomes Project 0.00679.
gnomAD v4.1: 1,346 of 1,547,600 alleles (0.087%); highest among the groups gnomAD compares: African/African-American, 1.6%; 8 homozygotes.

Submissions (7):

Labcorp Genetics (formerly Invitae), Labcorp
Classification: Benign. Last evaluated: 2026-02-04. Review status: criteria provided, single submitter. Criteria: Invitae Variant Classification Sherloc (09022015). Collection method: clinical testing. Allele origin: germline.

Women's Health and Genetics/Laboratory Corporation of America, LabCorp
Classification: Likely benign. Last evaluated: 2026-01-23. Review status: criteria provided, single submitter. Criteria: LabCorp Variant Classification Summary - May 2015. Collection method: clinical testing. Allele origin: germline.

Genomenon, Inc
Classification: Benign for Thrombomodulin-related bleeding disorder. Last evaluated: 2025-09-22. Review status: criteria provided, single submitter. Criteria: Genomenon Sequence Variant Interpretation Standards - Updated. Collection method: curation. Allele origin: germline. Affected: no.
Comment: THBD p.Gly14Ser (c.40G>A) is a missense variant that changes the amino acid at residue 14 from Glycine to Serine. This variant is present at high allele frequency in population databases. In conclusion, we classify THBD p.Gly14Ser (c.40G>A) as a benign variant.

Blueprint Genetics
Classification: Likely benign. Last evaluated: 2024-11-15. Review status: criteria provided, single submitter. Criteria: ACMG Guidelines, 2015. Collection method: clinical testing. Allele origin: germline.

Mayo Clinic Laboratories, Mayo Clinic
Classification: Benign. Last evaluated: 2024-02-16. Review status: criteria provided, single submitter. Criteria: ACMG Guidelines, 2015. Collection method: clinical testing. Allele origin: germline. Observed: 30 variant alleles.
Comment: BS1, BS2, BP4

Illumina Laboratory Services, Illumina
Classification: Benign for Atypical hemolytic-uremic syndrome with thrombomodulin anomaly. Last evaluated: 2018-01-13. Review status: criteria provided, single submitter. Criteria: ICSL Variant Classification Criteria 13 December 2019. Collection method: clinical testing. Allele origin: germline.
Comment: This variant was observed in the ICSL laboratory as part of a predisposition screen in an ostensibly healthy population. It had not been previously curated by ICSL or reported in the Human Gene Mutation Database (HGMD: prior to June 1st, 2018), and was therefore a candidate for classification through an automated scoring system. Utilizing variant allele frequency, disease prevalence and penetrance estimates, and inheritance mode, an automated score was calculated to assess if this variant is too frequent to cause the disease. Based on the score and internal cut-off values, a variant classified as benign is not then subjected to further curation. The score for this variant resulted in a classification of benign for this disease.

Breakthrough Genomics
Classification: Benign. Review status: criteria provided, single submitter. Criteria: ACMG Guidelines, 2015. Collection method: not provided. Allele origin: germline. Inheritance: Autosomal dominant inheritance. Affected: yes.